The following is an entry in ClinVar:

ClinVar aggregate classification (germline): Pathogenic (1 of 4 stars; one submission).

Conditions:
Neurofibromatosis, type 1 (NF1). Also called: Peripheral type neurofibromatosis; Neurofibromatosis, type I; VON RECKLINGHAUSEN DISEASE; NEUROFIBROMATOSIS, TYPE I, SOMATIC. Identifiers: Orphanet 636, MedGen C0027831, MONDO:0018975, OMIM 162200. Disease mechanism: loss of function.

Submission:

Labcorp Genetics (formerly Invitae), Labcorp
Classification: Pathogenic for Neurofibromatosis, type 1. Last evaluated: 2024-08-31. Review status: criteria provided, single submitter. Criteria: Invitae Variant Classification Sherloc (09022015). Collection method: clinical testing. Allele origin: germline.
Comment: This sequence change creates a premature translational stop signal (p.Leu899Cysfs*3) in the NF1 gene. It is expected to result in an absent or disrupted protein product. Loss-of-function variants in NF1 are known to be pathogenic (PMID: 10712197, 23913538). This variant is not present in population databases (gnomAD no frequency). This variant has not been reported in the literature in individuals affected with NF1-related conditions. For these reasons, this variant has been classified as Pathogenic.

Literature cited by the submitters: PubMed 10712197; PubMed 23913538.

NM_001042492.3(NF1):c.2696del (p.Leu899fs)

Gene: NF1 (neurofibromin 1; plus strand). Cytogenetic location: 17q11.2.
Variant type: Deletion.
Coding change: c.2696del on transcript NM_001042492.3 (MANE Select); coding-DNA position 2696, one base deleted (T; older notation c.2696delT).
Protein change: p.Leu899fs; shifts the reading frame from leucine 899.
Molecular consequence: frameshift variant.
Genome position (GRCh38, 1-based): chr17:31,229,311, T deleted; the last of 2 consecutive T bases (chr17:31,229,310-31,229,311); deleting either gives the same sequence. VCF-style (leftmost placement, unchanged base first): chr17-31229309-GT-G. GRCh37 (hg19) VCF-style: chr17-29556327-GT-G.
Other names: c.2696delT, p.Leu899Cysfs (NM_000267.4); short protein forms L899fs.
Identifiers: ClinVar variation 3683623 (VCV003683623.2).